The following is an entry in ClinVar:

NM_000393.5(COL5A2):c.2032-7G>A

Gene: COL5A2 (collagen type V alpha 2 chain; minus strand). Cytogenetic location: 2q32.2.
Variant type: single nucleotide variant.
Coding change: c.2032-7G>A on transcript NM_000393.5 (MANE Select); 7 bases into the intron before coding-DNA position 2032, G replaced by A.
Molecular consequence: intron variant.
Genome position (GRCh38, 1-based): chr2:189,060,790, C>T on the plus strand (G>A on the coding strand, the complement: COL5A2 is on the minus strand). VCF-style: chr2-189060790-C-T. GRCh37 (hg19) VCF-style: chr2-189925516-C-T.
Other names: p.?; c.2032-7G>A (NM_000393.4).
Identifiers: ClinVar variation 136943 (VCV000136943.63), dbSNP rs141571092, ClinGen allele CA290379.

ClinVar aggregate classification (germline): Benign/Likely benign. Review status: criteria provided, multiple submitters, no conflicts (2 of 4 stars). 15 submissions from 15 submitters: Benign (9); Likely benign (3). 3 of the submissions do not count toward it. Last evaluated 2026-04-01.

Conditions:
Connective tissue disorder. Also called: Connective tissue disease. Identifiers: MedGen C0009782, MONDO:0003900.
Ehlers-Danlos syndrome, classic type, 1 (EDSCL1). Also called: Ehlers-Danlos syndrome, type 1; Ehlers-Danlos Syndrome, Classic Type, COL5A1-Related; EDS I; EHLERS-DANLOS SYNDROME, GRAVIS TYPE; EHLERS-DANLOS SYNDROME, SEVERE CLASSIC TYPE. Identifiers: MedGen C0268335, MONDO:0019567, OMIM 130000.
Ehlers-Danlos syndrome, classic type, 2 (EDSCL2). Also called: Ehlers-Danlos syndrome, type 2; Ehlers-Danlos syndrome type 2 (formerly); Ehlers-Danlos Syndrome, Classic Type, COL5A2-Related. Identifiers: Orphanet 287, Orphanet 90318, MedGen C0268336, MONDO:0019568, OMIM 130010.
Ehlers-Danlos syndrome (EDS). Identifiers: Orphanet 98249, MedGen C0013720, MONDO:0020066.

Allele frequency attached by ClinVar (database versions not stated): 1000 Genomes Project 0.00100; 1000 Genomes Project 30x 0.00125; ExAC 0.00160; gnomAD exomes 0.00167 and 0.00293; gnomAD 0.00177 and 0.00265; ESP Exome Variant Server 0.00277; TOPMed 0.00297.
gnomAD v4.1: 4,647 of 1,612,026 alleles (0.29%); highest among the groups gnomAD compares: Non-Finnish European, 0.35%; 24 homozygotes.

Submissions (16):

CeGaT Center for Human Genetics Tuebingen
Classification: Likely benign. Last evaluated: 2026-04-01. Review status: criteria provided, single submitter. Criteria: CeGaT Center For Human Genetics Tuebingen Variant Classification Criteria Version 2. Collection method: clinical testing. Allele origin: germline. Affected: yes. Observed: 8 variant alleles.
Comment: COL5A2: BP4, BS1

Labcorp Genetics (formerly Invitae), Labcorp
Classification: Benign for Ehlers-Danlos syndrome, classic type, 1. Last evaluated: 2026-02-04. Review status: criteria provided, single submitter. Criteria: Invitae Variant Classification Sherloc (09022015). Collection method: clinical testing. Allele origin: germline.

ARUP Laboratories, Molecular Genetics and Genomics, ARUP Laboratories
Classification: Benign for Ehlers-Danlos syndrome, classic type, 2. Last evaluated: 2025-05-02. Review status: criteria provided, single submitter. Criteria: ARUP Molecular Germline Variant Investigation Process 2024. Collection method: clinical testing. Allele origin: germline.

Molecular Diagnostic Laboratory for Inherited Cardiovascular Disease, Montreal Heart Institute
Classification: Benign. Last evaluated: 2025-04-09. Review status: criteria provided, single submitter. Criteria: ACMG Guidelines, 2015. Collection method: clinical testing. Allele origin: germline. Affected: no.

Blueprint Genetics
Classification: Likely benign. Last evaluated: 2024-11-20. Review status: criteria provided, single submitter. Criteria: ACMG Guidelines, 2015. Collection method: clinical testing. Allele origin: germline.

Mayo Clinic Laboratories, Mayo Clinic
Classification: Benign. Last evaluated: 2024-02-28. Review status: criteria provided, single submitter. Criteria: ACMG Guidelines, 2015. Collection method: clinical testing. Allele origin: germline. Observed: 24 variant alleles.
Comment: BS1, BS2, BP4, BP7

Women's Health and Genetics/Laboratory Corporation of America, LabCorp
Classification: Benign. Last evaluated: 2023-07-21. Review status: criteria provided, single submitter. Criteria: LabCorp Variant Classification Summary - May 2015. Collection method: clinical testing. Allele origin: germline.

Genome Diagnostics Laboratory, The Hospital for Sick Children
Classification: Benign for Ehlers-Danlos syndrome. Last evaluated: 2022-04-02. Review status: criteria provided, single submitter. Criteria: ACMG Guidelines, 2015. Collection method: clinical testing. Allele origin: germline.

Illumina Laboratory Services, Illumina
Classification: Benign for Ehlers-Danlos syndrome, classic type, 2. Last evaluated: 2018-01-13. Review status: criteria provided, single submitter. Criteria: ICSL Variant Classification Criteria 13 December 2019. Collection method: clinical testing. Allele origin: germline.
Comment: This variant was observed in the ICSL laboratory as part of a predisposition screen in an ostensibly healthy population. It had not been previously curated by ICSL or reported in the Human Gene Mutation Database (HGMD: prior to June 1st, 2018), and was therefore a candidate for classification through an automated scoring system. Utilizing variant allele frequency, disease prevalence and penetrance estimates, and inheritance mode, an automated score was calculated to assess if this variant is too frequent to cause the disease. Based on the score and internal cut-off values, a variant classified as benign is not then subjected to further curation. The score for this variant resulted in a classification of benign for this disease.

Center for Human Genetics, Inc
Classification: Likely benign for Connective tissue disorder. Last evaluated: 2016-11-01. Review status: criteria provided, single submitter. Criteria: ACMG Guidelines, 2015. Collection method: clinical testing. Allele origin: germline. Affected: yes.

GeneDx
Classification: Benign. Last evaluated: 2013-04-12. Review status: criteria provided, single submitter. Criteria: GeneDx Variant Classification (06012015). Collection method: clinical testing. Allele origin: germline. Affected: yes.
Comment: This variant is considered likely benign or benign based on one or more of the following criteria: it is a conservative change, it occurs at a poorly conserved position in the protein, it is predicted to be benign by multiple in silico algorithms, and/or has population frequency not consistent with disease.

PreventionGenetics, part of Exact Sciences
Classification: Benign. Review status: criteria provided, single submitter. Criteria: ACMG Guidelines, 2015. Collection method: clinical testing. Allele origin: germline.

Clinical Genetics DNA and cytogenetics Diagnostics Lab, Erasmus MC, Erasmus Medical Center
Classification: Likely benign. Review status: no assertion criteria provided. Collection method: clinical testing. Allele origin: germline. Affected: yes. Study: VKGL Data-share Consensus. Not counted in ClinVar's aggregate classification.

Dr. Peter K. Rogan Lab, Western University
No classification provided (evidence only). Condition: Lung cancer. Review status: no classification provided. Collection method: in vitro. Allele origin: not applicable. Functional consequence: retained intron. Not counted in ClinVar's aggregate classification.

Genome Diagnostics Laboratory, Amsterdam University Medical Center
Classification: Benign. Review status: no assertion criteria provided. Collection method: clinical testing. Allele origin: germline. Affected: yes. Study: VKGL Data-share Consensus. Not counted in ClinVar's aggregate classification.

Genome Diagnostics Laboratory, University Medical Center Utrecht
Classification: Benign. Review status: no assertion criteria provided. Collection method: clinical testing. Allele origin: germline. Affected: yes. Study: VKGL Data-share Consensus. Not counted in ClinVar's aggregate classification.